The following is an entry in ClinVar:

NM_001271938.2(MEGF8):c.3603C>T (p.Asn1201=)

Gene: MEGF8 (multiple EGF like domains 8; plus strand). Cytogenetic location: 19q13.2.
Variant type: single nucleotide variant.
Coding change: c.3603C>T on transcript NM_001271938.2 (MANE Select); coding-DNA position 3603, C replaced by T.
Protein change: p.Asn1201=; no amino-acid change (asparagine 1201 retained).
Molecular consequence: synonymous variant.
Genome position (GRCh38, 1-based): chr19:42,353,517, C>T. VCF-style: chr19-42353517-C-T. GRCh37 (hg19) VCF-style: chr19-42857669-C-T.
Other names: c.3402C>T, p.Asn1134= (NM_001410.3).
Identifiers: ClinVar variation 1640376 (VCV001640376.33), dbSNP rs540512909, ClinGen allele CA9475033.

ClinVar aggregate classification (germline): Benign/Likely benign. Review status: criteria provided, multiple submitters, no conflicts (2 of 4 stars). 3 submissions from 3 submitters: Benign (1); Likely benign (2). Last evaluated 2025-10-22.

Conditions:
MEGF8-related Carpenter syndrome. Also called: Carpenter syndrome 2. Identifiers: Orphanet 65759, MedGen C3554247, MONDO:0013998, OMIM 614976.

Allele frequency attached by ClinVar (database versions not stated): gnomAD 0.00001 and 0.00007; TOPMed 0.00004; gnomAD exomes 0.00017 and 0.00029; 1000 Genomes Project 30x 0.00031; 1000 Genomes Project 0.00040; ExAC 0.00042.
gnomAD v4.1: 248 of 1,609,832 alleles (0.015%); highest among the groups gnomAD compares: South Asian, 0.24%; 3 homozygotes.

Submissions (3):

Labcorp Genetics (formerly Invitae), Labcorp
Classification: Benign for MEGF8-related Carpenter syndrome. Last evaluated: 2025-10-22. Review status: criteria provided, single submitter. Criteria: Invitae Variant Classification Sherloc (09022015). Collection method: clinical testing. Allele origin: germline.

Blueprint Genetics
Classification: Likely benign. Last evaluated: 2024-03-14. Review status: criteria provided, single submitter. Criteria: ACMG Guidelines, 2015. Collection method: clinical testing. Allele origin: germline.

CeGaT Center for Human Genetics Tuebingen
Classification: Likely benign. Last evaluated: 2023-08-01. Review status: criteria provided, single submitter. Criteria: CeGaT Center For Human Genetics Tuebingen Variant Classification Criteria Version 2. Collection method: clinical testing. Allele origin: germline. Affected: yes. Observed: 1 variant allele.
Comment: MEGF8: BP4, BP7